The following is an entry in ClinVar:

NM_000059.4(BRCA2):c.*105A>C

Gene: BRCA2 (BRCA2 DNA repair associated; plus strand). Cytogenetic location: 13q13.1.
Variant type: single nucleotide variant.
Coding change: c.*105A>C on transcript NM_000059.4 (MANE Select); 105 bases downstream of the stop codon, A replaced by C.
Molecular consequence: 3 prime UTR variant.
Genome position (GRCh38, 1-based): chr13:32,398,875, A>C. VCF-style: chr13-32398875-A-C. GRCh37 (hg19) VCF-style: chr13-32973012-A-C.
Other names: 10590A>C; 10590 A>C.
Identifiers: ClinVar variation 125927 (VCV000125927.22), dbSNP rs15869, ClinGen allele CA010709.

ClinVar aggregate classification (germline): Benign. Review status: reviewed by expert panel (3 of 4 stars). 11 submissions from 10 submitters: Benign (1). 10 of the submissions do not count toward it. Last evaluated 2015-01-12.

Conditions:
Hereditary cancer-predisposing syndrome. Also called: Tumor predisposition; Hereditary Cancer Syndrome; Neoplastic Syndromes, Hereditary; Hereditary neoplastic syndrome. Identifiers: Orphanet 140162, MedGen C0027672, MeSH D009386, MONDO:0015356.
Breast-ovarian cancer, familial, susceptibility to, 2 (BROVCA2). Also called: BRCA2 Hereditary Breast and Ovarian Cancer. Identifiers: Orphanet 145, MedGen C2675520, MONDO:0012933, OMIM 612555. Disease mechanism: loss of function.
Fanconi anemia complementation group D1. Also called: BRCA2-Related Fanconi Anemia. Identifiers: Orphanet 319462, MedGen C1838457, MONDO:0011584, OMIM 605724.

Allele frequency attached by ClinVar (database versions not stated): 1000 Genomes Project 0.16074; gnomAD exomes 0.20484; TOPMed 0.14438; gnomAD 0.15131 and 0.15552; 1000 Genomes Project 30x 0.15803.
gnomAD v4.1: 279,112 of 1,401,318 alleles (20%); highest among the groups gnomAD compares: Middle Eastern, 23%; 29,312 homozygotes.

Submissions (11):

Evidence-based Network for the Interpretation of Germline Mutant Alleles (ENIGMA)
Classification: Benign for Breast-ovarian cancer, familial 2. Last evaluated: 2015-01-12. Review status: reviewed by expert panel. Criteria: ENIGMA BRCA1/2 Classification Criteria (2015). Collection method: curation. Allele origin: germline.
Comment: Class 1 not pathogenic based on frequency >1% in an outbred sampleset. Frequency 0.229 (Asian), 0.01626 (African), 0.2124 (European), derived from 1000 genomes (2012-04-30).

ARUP Laboratories, Molecular Genetics and Genomics, ARUP Laboratories
Classification: Benign. Last evaluated: 2023-11-22. Review status: criteria provided, single submitter. Criteria: ARUP Molecular Germline Variant Investigation Process 2024. Collection method: clinical testing. Allele origin: germline. Not counted in ClinVar's aggregate classification.

Illumina Laboratory Services, Illumina
Classification: Benign for Fanconi anemia complementation group D1. Last evaluated: 2018-01-13. Review status: criteria provided, single submitter. Criteria: ICSL Variant Classification Criteria 13 December 2019. Collection method: clinical testing. Allele origin: germline. Not counted in ClinVar's aggregate classification.
Comment: This variant was observed in the ICSL laboratory as part of a predisposition screen in an ostensibly healthy population. It had not been previously curated by ICSL or reported in the Human Gene Mutation Database (HGMD: prior to June 1st, 2018), and was therefore a candidate for classification through an automated scoring system. Utilizing variant allele frequency, disease prevalence and penetrance estimates, and inheritance mode, an automated score was calculated to assess if this variant is too frequent to cause the disease. Based on the score and internal cut-off values, a variant classified as benign is not then subjected to further curation. The score for this variant resulted in a classification of benign for this disease.

Illumina Laboratory Services, Illumina
Classification: Benign for Breast-ovarian cancer, familial, susceptibility to, 2. Last evaluated: 2018-01-13. Review status: criteria provided, single submitter. Criteria: ICSL Variant Classification Criteria 13 December 2019. Collection method: clinical testing. Allele origin: germline. Not counted in ClinVar's aggregate classification.
Comment: the same text as in the submission from Illumina Laboratory Services, Illumina above.

GeneKor MSA
Classification: Benign. Last evaluated: 2017-11-01. Review status: criteria provided, single submitter. Criteria: ACMG Guidelines, 2015. Collection method: clinical testing. Allele origin: germline. Affected: yes. Not counted in ClinVar's aggregate classification.

Ambry Genetics
Classification: Benign for Hereditary cancer-predisposing syndrome. Last evaluated: 2014-11-19. Review status: criteria provided, single submitter. Criteria: Ambry Variant Classification Scheme 2023. Collection method: clinical testing. Allele origin: germline. Not counted in ClinVar's aggregate classification.

Genome Diagnostics Laboratory, University Medical Center Utrecht
Classification: Benign for Breast-ovarian cancer, familial, susceptibility to, 2. Last evaluated: 2014-10-09. Review status: criteria provided, single submitter. Criteria: ACGS Guidelines, 2013. Collection method: clinical testing. Allele origin: germline. Affected: yes. Study: VKGL Data-share Consensus. Not counted in ClinVar's aggregate classification.

Breakthrough Genomics
Classification: Benign. Review status: criteria provided, single submitter. Criteria: ACMG Guidelines, 2015. Collection method: not provided. Allele origin: germline. Inheritance: Autosomal recessive inheritance. Affected: yes. Not counted in ClinVar's aggregate classification.

Breast Cancer Information Core (BIC) (BRCA2)
Classification: Uncertain significance for Breast-ovarian cancer, familial 2. Last evaluated: 2010-12-17. Review status: no assertion criteria provided. Collection method: clinical testing. Allele origin: germline. Affected: yes. Observed: 350 variant alleles. Not counted in ClinVar's aggregate classification.

Clinical Genetics Laboratory, Department of Pathology, Netherlands Cancer Institute
Classification: Benign. Review status: no assertion criteria provided. Collection method: clinical testing. Allele origin: germline. Affected: yes. Study: VKGL Data-share Consensus. Not counted in ClinVar's aggregate classification.

Department of Pathology and Laboratory Medicine, Sinai Health System
Classification: Benign. Review status: no assertion criteria provided. Collection method: clinical testing. Allele origin: unknown. Affected: yes. Study: The Canadian Open Genetics Repository (COGR). Not counted in ClinVar's aggregate classification.